The following is an entry in ClinVar:

NM_018676.4(THSD1):c.2166A>T (p.Leu722Phe)

Gene: THSD1 (thrombospondin type 1 domain containing 1; minus strand). Cytogenetic location: 13q14.3.
Variant type: single nucleotide variant.
Coding change: c.2166A>T on transcript NM_018676.4 (MANE Select); coding-DNA position 2166, A replaced by T.
Protein change: p.Leu722Phe; replaces leucine 722 with phenylalanine.
Molecular consequence: missense variant.
Genome position (GRCh38, 1-based): chr13:52,377,804, T>A on the plus strand (A>T on the coding strand, the complement: THSD1 is on the minus strand). VCF-style: chr13-52377804-T-A. GRCh37 (hg19) VCF-style: chr13-52951939-T-A.
Other names: c.2007A>T, p.Leu669Phe (NM_199263.3); short protein forms L669F, L722F.
Identifiers: ClinVar variation 4531025 (VCV004531025.1).

ClinVar aggregate classification (germline): Uncertain significance (1 of 4 stars; one submission).

gnomAD v4.1: 21 of 1,614,066 alleles (0.0013%); highest among the groups gnomAD compares: Admixed American, 0.0017%; no homozygotes.

Submission:

GeneDx
Classification: Uncertain significance. Last evaluated: 2025-05-19. Review status: criteria provided, single submitter. Criteria: GeneDx Variant Classification Process June 2021. Collection method: clinical testing. Allele origin: germline. Affected: yes.
Comment: Not observed at significant frequency in large population cohorts (gnomAD); In silico analysis suggests that this missense variant does not alter protein structure/function; Has not been previously published as pathogenic or benign to our knowledge